The following is an entry in ClinVar:

NM_000310.4(PPT1):c.363-3T>G

Gene: PPT1 (palmitoyl-protein thioesterase 1; minus strand). Cytogenetic location: 1p34.2.
Variant type: single nucleotide variant.
Coding change: c.363-3T>G on transcript NM_000310.4 (MANE Select); 3 bases into the intron before coding-DNA position 363, T replaced by G.
Molecular consequence: intron variant.
Genome position (GRCh38, 1-based): chr1:40,091,402, A>C on the plus strand (T>G on the coding strand, the complement: PPT1 is on the minus strand). VCF-style: chr1-40091402-A-C. GRCh37 (hg19) VCF-style: chr1-40557074-A-C.
Other names: c.125-1890T>G (NM_001142604.2); c.363-3T>G (NM_001363695.2).
Identifiers: ClinVar variation 56191 (VCV000056191.2), dbSNP rs386833643, ClinGen allele CA263501.

ClinVar aggregate classification (germline): Likely pathogenic (0 of 4 stars; one submission).

Conditions:
Neuronal ceroid lipofuscinosis 1 (CLN1). Also called: CEROID LIPOFUSCINOSIS, NEURONAL, 1, VARIABLE AGE AT ONSET; PPT1-Related Neuronal Ceroid-Lipofuscinosis. Identifiers: Orphanet 228329, MedGen C1850451, MONDO:0009744, OMIM 256730.

Submission:

Juha Muilu Group; Institute for Molecular Medicine Finland (FIMM)
Classification: Likely pathogenic for Ceroid lipofuscinosis neuronal 1. Review status: no assertion criteria provided. Collection method: not provided. Allele origin: unknown.
Comment: FinDis database variant: This variant was not found or characterized by our laboratory, data were collected from public sources: see reference
ClinVar note: Converted during submission from probable-pathogenic to Likely pathogenic.